The following is an entry in ClinVar:

NM_001165963.4(SCN1A):c.3829C>T (p.Gln1277Ter)

Genes: SCN1A (sodium voltage-gated channel alpha subunit 1; minus strand), LOC102724058 (uncharacterized LOC102724058; plus strand). Cytogenetic location: 2q24.3.
Variant type: single nucleotide variant.
Coding change: c.3829C>T on transcript NM_001165963.4 (MANE Select); coding-DNA position 3829, C replaced by T.
Protein change: p.Gln1277Ter; replaces glutamine 1277 with a stop codon.
Molecular consequence: nonsense. On other transcripts: non-coding transcript variant (1).
Genome position (GRCh38, 1-based): chr2:166,012,159, G>A on the plus strand (C>T on the coding strand, the complement: SCN1A is on the minus strand). VCF-style: chr2-166012159-G-A. GRCh37 (hg19) VCF-style: chr2-166868669-G-A.
Other names: c.3745C>T, p.Gln1249Ter (NM_001353958.2, NM_001165964.3, NM_001353957.2); c.3742C>T, p.Gln1248Ter (NM_001353960.2); c.1387C>T, p.Gln463Ter (NM_001353961.2); c.3796C>T, p.Gln1266Ter (NM_006920.6, NM_001353949.2, NM_001353950.2 and 2 more transcripts); c.3829C>T, p.Gln1277Ter (NM_001202435.3, NM_001353948.2); c.3793C>T, p.Gln1265Ter (NM_001353954.2, NM_001353955.2); short protein forms Q1248*, Q1266*, Q1277*, Q1249*, Q1265*, Q463*.
Identifiers: ClinVar variation 949865 (VCV000949865.10), dbSNP rs1553531217, ClinGen allele CA349054137.

ClinVar aggregate classification (germline): Pathogenic (1 of 4 stars; one submission).

Conditions:
Early-infantile DEE. Also called: Early infantile epileptic encephalopathy; Ohtahara syndrome; Early infantile epileptic encephalopathy with suppression bursts. Identifiers: Orphanet 1934, MedGen C0393706, MONDO:0800491.

Submission:

Labcorp Genetics (formerly Invitae), Labcorp
Classification: Pathogenic for Early-infantile DEE. Last evaluated: 2019-08-14. Review status: criteria provided, single submitter. Criteria: Invitae Variant Classification Sherloc (09022015). Collection method: clinical testing. Allele origin: germline.
Comment: For these reasons, this variant has been classified as Pathogenic. Loss-of-function variants in SCN1A are known to be pathogenic (PMID: 17347258, 18930999). This variant has been observed in an individual affected with Dravet syndrome (PMID: 18076640). This variant is not present in population databases (ExAC no frequency). This sequence change creates a premature translational stop signal (p.Gln1277*) in the SCN1A gene. It is expected to result in an absent or disrupted protein product.

Literature cited by the submitters: PubMed 17347258; PubMed 18930999; PubMed 18076640.